The following is an entry in ClinVar:

ClinVar aggregate classification (germline): Uncertain significance. Review status: criteria provided, multiple submitters, no conflicts (2 of 4 stars). 3 submissions from 3 submitters: Uncertain significance (3). Last evaluated 2025-03-21.

Conditions:
Primary ciliary dyskinesia. Also called: Ciliary dyskinesia. Identifiers: Orphanet 244, MedGen C0008780, MONDO:0016575, HP:0012265.

Allele frequency attached by ClinVar (database versions not stated): ExAC 0.00002; gnomAD exomes 0.00002 and 0.00004; TOPMed 0.00003; gnomAD 0.00001.
gnomAD v4.1: 56 of 1,487,526 alleles (0.0038%); highest among the groups gnomAD compares: Non-Finnish European, 0.0047%; no homozygotes.

Submissions (3):

Mayo Clinic Laboratories, Mayo Clinic
Classification: Uncertain significance. Last evaluated: 2025-03-21. Review status: criteria provided, single submitter. Criteria: ACMG Guidelines, 2015. Collection method: clinical testing. Allele origin: germline. Observed: 1 variant allele.
Comment: BP4

Ambry Genetics
Classification: Uncertain significance. Last evaluated: 2025-03-08. Review status: criteria provided, single submitter. Criteria: Ambry Variant Classification Scheme 2023. Collection method: clinical testing. Allele origin: germline.

Labcorp Genetics (formerly Invitae), Labcorp
Classification: Uncertain significance for Primary ciliary dyskinesia. Last evaluated: 2022-10-14. Review status: criteria provided, single submitter. Criteria: Invitae Variant Classification Sherloc (09022015). Collection method: clinical testing. Allele origin: germline.
Comment: This sequence change replaces arginine, which is basic and polar, with glycine, which is neutral and non-polar, at codon 320 of the DNAH8 protein (p.Arg320Gly). This variant is present in population databases (rs757946681, gnomAD 0.01%). This variant has not been reported in the literature in individuals affected with DNAH8-related conditions. ClinVar contains an entry for this variant (Variation ID: 1009939). Algorithms developed to predict the effect of missense changes on protein structure and function are either unavailable or do not agree on the potential impact of this missense change (SIFT: "Tolerated"; PolyPhen-2: "Not Available"; Align-GVGD: "Class C0"). In summary, the available evidence is currently insufficient to determine the role of this variant in disease. Therefore, it has been classified as a Variant of Uncertain Significance.

NM_001206927.2(DNAH8):c.958A>G (p.Arg320Gly)

Gene: DNAH8 (dynein axonemal heavy chain 8; plus strand). Cytogenetic location: 6p21.2.
Variant type: single nucleotide variant.
Coding change: c.958A>G on transcript NM_001206927.2 (MANE Select); coding-DNA position 958, A replaced by G.
Protein change: p.Arg320Gly; replaces arginine 320 with glycine.
Molecular consequence: missense variant.
Genome position (GRCh38, 1-based): chr6:38,737,814, A>G. VCF-style: chr6-38737814-A-G. GRCh37 (hg19) VCF-style: chr6-38705590-A-G.
Other names: p.Arg320Gly; c.307A>G, p.Arg103Gly (NM_001371.4); c.958A>G (NM_001206927.1); short protein forms R103G, R320G.
Identifiers: ClinVar variation 1009939 (VCV001009939.7), dbSNP rs757946681, ClinGen allele CA3788099.